The following is an entry in ClinVar:

ClinVar aggregate classification (germline): Uncertain significance (1 of 4 stars; one submission).

Submission:

Labcorp Genetics (formerly Invitae), Labcorp
Classification: Uncertain significance. Last evaluated: 2024-01-29. Review status: criteria provided, single submitter. Criteria: Invitae Variant Classification Sherloc (09022015). Collection method: clinical testing. Allele origin: germline.
Comment: This sequence change replaces tyrosine, which is neutral and polar, with cysteine, which is neutral and slightly polar, at codon 29 of the RHO protein (p.Tyr29Cys). This variant is not present in population databases (gnomAD no frequency). This variant has not been reported in the literature in individuals affected with RHO-related conditions. ClinVar contains an entry for this variant (Variation ID: 954850). Advanced modeling of protein sequence and biophysical properties (such as structural, functional, and spatial information, amino acid conservation, physicochemical variation, residue mobility, and thermodynamic stability) performed at Invitae indicates that this missense variant is expected to disrupt RHO protein function with a positive predictive value of 95%. In summary, the available evidence is currently insufficient to determine the role of this variant in disease. Therefore, it has been classified as a Variant of Uncertain Significance.

NM_000539.3(RHO):c.86A>G (p.Tyr29Cys)

Gene: RHO (rhodopsin; plus strand). Cytogenetic location: 3q22.1.
Variant type: single nucleotide variant.
Coding change: c.86A>G on transcript NM_000539.3 (MANE Select); coding-DNA position 86, A replaced by G.
Protein change: p.Tyr29Cys; replaces tyrosine 29 with cysteine.
Molecular consequence: missense variant.
Genome position (GRCh38, 1-based): chr3:129,528,819, A>G. VCF-style: chr3-129528819-A-G. GRCh37 (hg19) VCF-style: chr3-129247662-A-G.
Other names: short protein forms Y29C.
Identifiers: ClinVar variation 954850 (VCV000954850.9), dbSNP rs2084756646, ClinGen allele CA354495615.